The following is an entry in ClinVar:

ClinVar aggregate classification (germline): Uncertain significance (1 of 4 stars; one submission).

Conditions:
Cardiovascular phenotype. Identifiers: MedGen CN230736.

Submission:

Ambry Genetics
Classification: Uncertain significance for Cardiovascular phenotype. Last evaluated: 2024-12-17. Review status: criteria provided, single submitter. Criteria: Ambry Variant Classification Scheme 2023. Collection method: clinical testing. Allele origin: germline.
Comment: The p.G2468A variant (also known as c.7403G>C), located in coding exon 20 of the TNXB gene, results from a G to C substitution at nucleotide position 7403. The glycine at codon 2468 is replaced by alanine, an amino acid with similar properties. This amino acid position is conserved. In addition, this alteration is predicted to be tolerated by in silico analysis. Based on the available evidence, the clinical significance of this variant remains unclear.

NM_001365276.2(TNXB):c.7403G>C (p.Gly2468Ala)

Gene: TNXB (tenascin XB; minus strand). Cytogenetic location: 6p21.33.
Variant type: single nucleotide variant.
Coding change: c.7403G>C on transcript NM_001365276.2 (MANE Select); coding-DNA position 7403, G replaced by C.
Protein change: p.Gly2468Ala; replaces glycine 2468 with alanine.
Molecular consequence: missense variant.
Genome position (GRCh38, 1-based): chr6:32,061,486, C>G on the plus strand (G>C on the coding strand, the complement: TNXB is on the minus strand). VCF-style: chr6-32061486-C-G. GRCh37 (hg19) VCF-style: chr6-32029263-C-G.
Other names: c.8144G>C, p.Gly2715Ala (NM_001428335.1); c.7403G>C, p.Gly2468Ala (NM_019105.8); short protein forms G2468A, G2715A.
Identifiers: ClinVar variation 3809292 (VCV003809292.1).